The following is an entry in ClinVar:

ClinVar aggregate classification (germline): Uncertain significance. Review status: criteria provided, single submitter (1 of 4 stars). 2 submissions from 2 submitters: Uncertain significance (1). 1 of the submissions does not count toward it. Last evaluated 2025-03-26.

Conditions:
UBR4-related disorder. Also called: UBR4-related condition.

Allele frequency attached by ClinVar (database versions not stated): gnomAD exomes 0.00003; gnomAD 0.00001; TOPMed 0.00003; ExAC 0.00004.
gnomAD v4.1: 17 of 1,609,076 alleles (0.0011%); highest among the groups gnomAD compares: Admixed American, 0.027%; no homozygotes.

Submissions (2):

Ambry Genetics
Classification: Uncertain significance. Last evaluated: 2025-03-26. Review status: criteria provided, single submitter. Criteria: Ambry Variant Classification Scheme 2023. Collection method: clinical testing. Allele origin: germline.

PreventionGenetics, part of Exact Sciences
Classification: Uncertain significance for UBR4-related condition. Last evaluated: 2024-01-04. Review status: no assertion criteria provided. Collection method: clinical testing. Allele origin: germline. Not counted in ClinVar's aggregate classification.
Comment: The UBR4 c.7519G>C variant is predicted to result in the amino acid substitution p.Glu2507Gln. To our knowledge, this variant has not been reported in the literature. This variant is reported in 0.038% of alleles in individuals of Latino descent in gnomAD. At this time, the clinical significance of this variant is uncertain due to the absence of conclusive functional and genetic evidence.

NM_020765.3(UBR4):c.7519G>C (p.Glu2507Gln)

Gene: UBR4 (ubiquitin protein ligase E3 component n-recognin 4; minus strand). Cytogenetic location: 1p36.13.
Variant type: single nucleotide variant.
Coding change: c.7519G>C on transcript NM_020765.3 (MANE Select); coding-DNA position 7519, G replaced by C.
Protein change: p.Glu2507Gln; replaces glutamic acid 2507 with glutamine.
Molecular consequence: missense variant.
Genome position (GRCh38, 1-based): chr1:19,148,103, C>G on the plus strand (G>C on the coding strand, the complement: UBR4 is on the minus strand). VCF-style: chr1-19148103-C-G. GRCh37 (hg19) VCF-style: chr1-19474597-C-G.
Other names: short protein forms E2507Q.
Identifiers: ClinVar variation 3036854 (VCV003036854.3), dbSNP rs756238426, ClinGen allele CA650003.
Genomic context (GRCh38, chr1:19,148,103, plus strand): 5'-TCTTGGACTGCTGCTGGACACTGGCAGGTGCTGGCAGGGACAACAGCAAAGTGGCCAGCT[C>G]CTGAGCAGCATTCTTGTTTCTCTCCTAAGGCAAAAGACAGCAGGGTTATCACTAACCCCA-3'
Protein context (NP_065816.2, residues 2497-2517): EKERNKNAAQ[Glu2507Gln]LATLLLSLPA